The following is an entry in ClinVar:

ClinVar aggregate classification (germline): Benign/Likely benign. Review status: criteria provided, multiple submitters, no conflicts (2 of 4 stars). 3 submissions from 3 submitters: Benign (1); Likely benign (2). Last evaluated 2025-11-06.

Conditions:
Mitochondrial complex II deficiency, nuclear type 1. Also called: SUCCINATE CoQ REDUCTASE DEFICIENCY. Identifiers: Orphanet 3208, MedGen C5700310, MONDO:0100294, OMIM 252011.
Pheochromocytoma/paraganglioma syndrome 5. Also called: Paragangliomas 5; SDHA-Related Hereditary Paraganglioma-Pheochromocytoma Syndrome. Identifiers: Orphanet 29072, MedGen C3279992, MONDO:0013602, OMIM 614165.
Hereditary cancer-predisposing syndrome. Also called: Neoplastic Syndromes, Hereditary; Tumor predisposition; Hereditary neoplastic syndrome; Hereditary Cancer Syndrome. Identifiers: Orphanet 140162, MedGen C0027672, MeSH D009386, MONDO:0015356.

Allele frequency attached by ClinVar (database versions not stated): gnomAD exomes 0.00002; ExAC 0.00003; gnomAD 0.00003; TOPMed 0.00003.
gnomAD v4.1: 4 of 1,457,106 alleles (0.00027%); highest among the groups gnomAD compares: African/African-American, 0.0044%; no homozygotes.

Submissions (3):

Labcorp Genetics (formerly Invitae), Labcorp
Classification: Likely benign for Pheochromocytoma/paraganglioma syndrome 5; Mitochondrial complex II deficiency, nuclear type 1. Last evaluated: 2025-11-06. Review status: criteria provided, single submitter. Criteria: Invitae Variant Classification Sherloc (09022015). Collection method: clinical testing. Allele origin: germline.

Myriad Genetics, Inc.
Classification: Benign for Pheochromocytoma/paraganglioma syndrome 5. Last evaluated: 2025-02-27. Review status: criteria provided, single submitter. Criteria: Myriad Autosomal Dominant, Autosomal Recessive and X-Linked Classification Criteria (2023). Collection method: clinical testing. Allele origin: unknown.
Comment: This variant is considered benign. This variant is a silent/synonymous amino acid change and it is not expected to impact splicing.

Ambry Genetics
Classification: Likely benign for Hereditary cancer-predisposing syndrome. Last evaluated: 2018-08-15. Review status: criteria provided, single submitter. Criteria: Ambry Variant Classification Scheme 2023. Collection method: clinical testing. Allele origin: germline.

NM_004168.4(SDHA):c.18C>T (p.Gly6=)

Gene: SDHA (succinate dehydrogenase complex flavoprotein subunit A; plus strand). Cytogenetic location: 5p15.33.
Variant type: single nucleotide variant.
Coding change: c.18C>T on transcript NM_004168.4 (MANE Select); coding-DNA position 18, C replaced by T.
Protein change: p.Gly6=; no amino-acid change (glycine 6 retained).
Molecular consequence: synonymous variant.
Genome position (GRCh38, 1-based): chr5:218,373, C>T. VCF-style: chr5-218373-C-T. GRCh37 (hg19) VCF-style: chr5-218488-C-T.
Other names: c.18C>T, p.Gly6= (NM_001294332.2, NM_001330758.2).
Identifiers: ClinVar variation 578716 (VCV000578716.17), dbSNP rs775847689, ClinGen allele CA3172685.